The following is an entry in ClinVar:

NM_001042492.3(NF1):c.5390A>G (p.Asn1797Ser)

Gene: NF1 (neurofibromin 1; plus strand). Cytogenetic location: 17q11.2.
Variant type: single nucleotide variant.
Coding change: c.5390A>G on transcript NM_001042492.3 (MANE Select); coding-DNA position 5390, A replaced by G.
Protein change: p.Asn1797Ser; replaces asparagine 1797 with serine.
Molecular consequence: missense variant.
Genome position (GRCh38, 1-based): chr17:31,327,620, A>G. VCF-style: chr17-31327620-A-G. GRCh37 (hg19) VCF-style: chr17-29654638-A-G.
Other names: c.5327A>G, p.Asn1776Ser (NM_000267.4); short protein forms N1797S, N1776S.
Identifiers: ClinVar variation 1746848 (VCV001746848.3), dbSNP rs2508706306, ClinGen allele CA399009332.

ClinVar aggregate classification (germline): Uncertain significance (1 of 4 stars; one submission).

Conditions:
Cardiovascular phenotype. Identifiers: MedGen CN230736.
Hereditary cancer-predisposing syndrome. Also called: Hereditary Cancer Syndrome; Hereditary neoplastic syndrome; Neoplastic Syndromes, Hereditary; Tumor predisposition. Identifiers: Orphanet 140162, MedGen C0027672, MeSH D009386, MONDO:0015356.

Submission:

Ambry Genetics
Classification: Uncertain significance for Cardiovascular phenotype; Hereditary cancer-predisposing syndrome. Last evaluated: 2026-07-08. Review status: criteria provided, single submitter. Criteria: Ambry Variant Classification Scheme 2023. Collection method: clinical testing. Allele origin: germline.
Comment: The p.N1776S variant (also known as c.5327A>G), located in coding exon 37 of the NF1 gene, results from an A to G substitution at nucleotide position 5327. The asparagine at codon 1776 is replaced by serine, an amino acid with highly similar properties. This amino acid position is well conserved in available vertebrate species. In addition, this alteration is predicted to be tolerated by in silico analysis. Based on the available evidence, the clinical significance of this variant remains unclear.